The following is an entry in ClinVar:

NM_173648.4(CCDC141):c.2704A>G (p.Met902Val)

Gene: CCDC141 (coiled-coil domain containing 141; minus strand). Cytogenetic location: 2q31.2.
Variant type: single nucleotide variant.
Coding change: c.2704A>G on transcript NM_173648.4 (MANE Select); coding-DNA position 2704, A replaced by G.
Protein change: p.Met902Val; replaces methionine 902 with valine.
Molecular consequence: missense variant.
Genome position (GRCh38, 1-based): chr2:178,865,787, T>C on the plus strand (A>G on the coding strand, the complement: CCDC141 is on the minus strand). VCF-style: chr2-178865787-T-C. GRCh37 (hg19) VCF-style: chr2-179730514-T-C.
Other names: short protein forms M902V.
Identifiers: ClinVar variation 3605649 (VCV003605649.2).

ClinVar aggregate classification (germline): Uncertain significance (1 of 4 stars; one submission).

gnomAD v4.1: 4 of 1,562,276 alleles (0.00026%); highest among the groups gnomAD compares: East Asian, 0.0023%; no homozygotes.

Submission:

Labcorp Genetics (formerly Invitae), Labcorp
Classification: Uncertain significance. Last evaluated: 2024-11-05. Review status: criteria provided, single submitter. Criteria: Invitae Variant Classification Sherloc (09022015). Collection method: clinical testing. Allele origin: germline.
Comment: This sequence change replaces methionine, which is neutral and non-polar, with valine, which is neutral and non-polar, at codon 902 of the CCDC141 protein (p.Met902Val). This variant is not present in population databases (gnomAD no frequency). This variant has not been reported in the literature in individuals affected with CCDC141-related conditions. An algorithm developed to predict the effect of missense changes on protein structure and function (PolyPhen-2) suggests that this variant is likely to be tolerated. In summary, the available evidence is currently insufficient to determine the role of this variant in disease. Therefore, it has been classified as a Variant of Uncertain Significance.